The following is an entry in ClinVar:

NM_004260.4(RECQL4):c.1175GTG[2] (p.Gly394del)

Gene: RECQL4 (RecQ like helicase 4; minus strand). Cytogenetic location: 8q24.3.
Variant type: Microsatellite.
Coding change: c.1175GTG[2] on transcript NM_004260.4 (MANE Select); two copies in a row of the 3-base unit GTG starting at c.1175; the reference has three copies in a row; one copy, 3 bases deleted.
Protein change: p.Gly394del; deletes glycine 394.
Molecular consequence: inframe deletion.
Genome position (GRCh38, 1-based): chr8:144,515,839-144,515,841, CAC deleted on the plus strand (GTG on the coding strand, the reverse complement: RECQL4 is on the minus strand); deleting any 3 consecutive bases within chr8:144,515,839-144,515,848 gives the same sequence; the position shown is the placement nearest the transcript's 3' end. VCF-style (leftmost placement, unchanged base first): chr8-144515838-GCAC-G. GRCh37 (hg19) VCF-style: chr8-145741222-GCAC-G.
Other names: short protein forms G394del.
Identifiers: ClinVar variation 1469629 (VCV001469629.6), dbSNP rs1828087096, ClinGen allele CA1120281696.

ClinVar aggregate classification (germline): Uncertain significance (1 of 4 stars; one submission).

Conditions:
Baller-Gerold syndrome (BGS). Also called: CRANIOSYNOSTOSIS WITH RADIAL DEFECTS. Identifiers: Orphanet 1225, MedGen C0265308, MONDO:0009039, OMIM 218600.

Submission:

Labcorp Genetics (formerly Invitae), Labcorp
Classification: Uncertain significance for Baller-Gerold syndrome. Last evaluated: 2023-10-25. Review status: criteria provided, single submitter. Criteria: Invitae Variant Classification Sherloc (09022015). Collection method: clinical testing. Allele origin: germline.
Comment: This variant, c.1181_1183del, results in the deletion of 1 amino acid(s) of the RECQL4 protein (p.Gly394del), but otherwise preserves the integrity of the reading frame. This variant is not present in population databases (gnomAD no frequency). This variant has not been reported in the literature in individuals affected with RECQL4-related conditions. Experimental studies and prediction algorithms are not available or were not evaluated, and the functional significance of this variant is currently unknown. In summary, the available evidence is currently insufficient to determine the role of this variant in disease. Therefore, it has been classified as a Variant of Uncertain Significance.